The following is an entry in ClinVar:

ClinVar aggregate classification (germline): Uncertain significance (1 of 4 stars; one submission).

Conditions:
Ichthyosis linearis circumflexa. Identifiers: MedGen C0265962, MONDO:0043106, HP:0025810.

Allele frequency attached by ClinVar (database versions not stated): gnomAD exomes below 0.00001 and 0.00001; gnomAD 0.00001 and 0.00002; TOPMed 0.00002.
gnomAD v4.1: 16 of 1,606,140 alleles (0.001%); highest among the groups gnomAD compares: Non-Finnish European, 0.0013%; no homozygotes.

Submission:

Labcorp Genetics (formerly Invitae), Labcorp
Classification: Uncertain significance for Ichthyosis linearis circumflexa. Last evaluated: 2023-12-11. Review status: criteria provided, single submitter. Criteria: Invitae Variant Classification Sherloc (09022015). Collection method: clinical testing. Allele origin: germline.
Comment: This sequence change replaces proline, which is neutral and non-polar, with threonine, which is neutral and polar, at codon 908 of the SPINK5 protein (p.Pro908Thr). This variant is not present in population databases (gnomAD no frequency). This variant has not been reported in the literature in individuals affected with SPINK5-related conditions. ClinVar contains an entry for this variant (Variation ID: 1465766). Advanced modeling of protein sequence and biophysical properties (such as structural, functional, and spatial information, amino acid conservation, physicochemical variation, residue mobility, and thermodynamic stability) performed at Invitae indicates that this missense variant is not expected to disrupt SPINK5 protein function with a negative predictive value of 80%. In summary, the available evidence is currently insufficient to determine the role of this variant in disease. Therefore, it has been classified as a Variant of Uncertain Significance.

NM_006846.4(SPINK5):c.2722C>A (p.Pro908Thr)

Gene: SPINK5 (serine peptidase inhibitor Kazal type 5; plus strand). Cytogenetic location: 5q32.
Variant type: single nucleotide variant.
Coding change: c.2722C>A on transcript NM_006846.4 (MANE Select); coding-DNA position 2722, C replaced by A.
Protein change: p.Pro908Thr; replaces proline 908 with threonine.
Molecular consequence: missense variant.
Genome position (GRCh38, 1-based): chr5:148,124,820, C>A. VCF-style: chr5-148124820-C-A. GRCh37 (hg19) VCF-style: chr5-147504383-C-A.
Other names: c.2722C>A, p.Pro908Thr (NM_001127698.2, NM_001127699.2); short protein forms P908T.
Identifiers: ClinVar variation 1465766 (VCV001465766.8), dbSNP rs921979611, ClinGen allele CA128940642.